The following is an entry in ClinVar:

ClinVar aggregate classification (germline): Uncertain significance (1 of 4 stars; one submission).

Allele frequency attached by ClinVar (database versions not stated): gnomAD exomes below 0.00001; ExAC 0.00001.
gnomAD v4.1: 4 of 1,611,970 alleles (0.00025%); highest among the groups gnomAD compares: South Asian, 0.0011%; no homozygotes.

Submission:

Labcorp Genetics (formerly Invitae), Labcorp
Classification: Uncertain significance. Last evaluated: 2023-08-23. Review status: criteria provided, single submitter. Criteria: Invitae Variant Classification Sherloc (09022015). Collection method: clinical testing. Allele origin: germline.
Comment: An algorithm developed to predict the effect of missense changes on protein structure and function (PolyPhen-2) suggests that this variant is likely to be disruptive. This sequence change replaces leucine, which is neutral and non-polar, with proline, which is neutral and non-polar, at codon 803 of the PPP1R12A protein (p.Leu803Pro). This variant is present in population databases (rs762547992, gnomAD 0.003%). This variant has not been reported in the literature in individuals affected with PPP1R12A-related conditions. In summary, the available evidence is currently insufficient to determine the role of this variant in disease. Therefore, it has been classified as a Variant of Uncertain Significance.

NM_002480.3(PPP1R12A):c.2408T>C (p.Leu803Pro)

Gene: PPP1R12A (protein phosphatase 1 regulatory subunit 12A; minus strand). Cytogenetic location: 12q21.2.
Variant type: single nucleotide variant.
Coding change: c.2408T>C on transcript NM_002480.3 (MANE Select); coding-DNA position 2408, T replaced by C.
Protein change: p.Leu803Pro; replaces leucine 803 with proline.
Molecular consequence: missense variant.
Genome position (GRCh38, 1-based): chr12:79,796,835, A>G on the plus strand (T>C on the coding strand, the complement: PPP1R12A is on the minus strand). VCF-style: chr12-79796835-A-G. GRCh37 (hg19) VCF-style: chr12-80190615-A-G.
Other names: c.2408T>C, p.Leu803Pro (NM_001143885.2, NM_001244990.2); c.2147T>C, p.Leu716Pro (NM_001143886.2); c.2240T>C, p.Leu747Pro (NM_001244992.1); short protein forms L803P, L747P, L716P.
Identifiers: ClinVar variation 2799120 (VCV002799120.3), dbSNP rs762547992, ClinGen allele CA6699442.